The following is an entry in ClinVar:

ClinVar aggregate classification (germline): Pathogenic/Likely pathogenic. Review status: criteria provided, multiple submitters, no conflicts (2 of 4 stars). 2 submissions from 2 submitters: Pathogenic (1); Likely pathogenic (1). Last evaluated 2022-05-28.

Conditions:
Autosomal recessive limb-girdle muscular dystrophy type 2A (LGMDR1). Also called: Limb-girdle muscular dystrophy, type 2A; Calpainopathy; LEYDEN-MOEBIUS MUSCULAR DYSTROPHY; MUSCULAR DYSTROPHY, PELVOFEMORAL; Muscular dystrophy, limb-girdle, type 2A, Amish. Identifiers: Orphanet 267, MedGen C1869123, MONDO:0009675, OMIM 253600. Disease mechanism: loss of function.

Allele frequency attached by ClinVar (database versions not stated): gnomAD exomes below 0.00001.

Submissions (2):

Labcorp Genetics (formerly Invitae), Labcorp
Classification: Pathogenic for Autosomal recessive limb-girdle muscular dystrophy type 2A. Last evaluated: 2022-05-28. Review status: criteria provided, single submitter. Criteria: Invitae Variant Classification Sherloc (09022015). Collection method: clinical testing. Allele origin: germline.
Comment: For these reasons, this variant has been classified as Pathogenic. ClinVar contains an entry for this variant (Variation ID: 807217). This premature translational stop signal has been observed in individual(s) with clinical features of limb-girdle muscular dystrophy (PMID: 28403181). This variant is not present in population databases (gnomAD no frequency). This sequence change creates a premature translational stop signal (p.Ala497Profs*98) in the CAPN3 gene. It is expected to result in an absent or disrupted protein product. Loss-of-function variants in CAPN3 are known to be pathogenic (PMID: 10330340, 15689361).

CeGaT Center for Human Genetics Tuebingen
Classification: Likely pathogenic. Last evaluated: 2016-06-01. Review status: criteria provided, single submitter. Criteria: CeGaT Center For Human Genetics Tuebingen Variant Classification Criteria Version 2. Collection method: clinical testing. Allele origin: germline. Affected: yes. Observed: 1 variant allele.

Literature cited by the submitters: PubMed 28403181 (cited by Labcorp Genetics (formerly Invitae), Labcorp); PubMed 10330340 (cited by Labcorp Genetics (formerly Invitae), Labcorp); PubMed 15689361 (cited by Labcorp Genetics (formerly Invitae), Labcorp).

NM_000070.3(CAPN3):c.1485del (p.Ala497fs)

Gene: CAPN3 (calpain 3; plus strand). Cytogenetic location: 15q15.1.
Variant type: Deletion.
Coding change: c.1485del on transcript NM_000070.3 (MANE Select); coding-DNA position 1485, one base deleted (A; older notation c.1485delA).
Protein change: p.Ala497fs; shifts the reading frame from alanine 497.
Molecular consequence: frameshift variant.
Genome position (GRCh38, 1-based): chr15:42,401,771, A deleted. VCF-style (leftmost placement, unchanged base first): chr15-42401770-TA-T. GRCh37 (hg19) VCF-style: chr15-42693968-TA-T.
Other names: c.1485del, p.Ala497fs (NM_024344.2); c.1341del, p.Ala449fs (NM_173087.2); short protein forms A497fs, A449fs.
Identifiers: ClinVar variation 807217 (VCV000807217.46), dbSNP rs1595837172, ClinGen allele CA915946550.
Genomic context (GRCh38, chr15:42,401,770, plus strand): 5'-AGGTGATTTGCAGCTTCCTGGTGGCCCTGATGCAGAAGAACCGGCGGAAGGACCGGAAGC[TA>T]GGGGCCAGTCTCTTCACCATTGGCTTCGCCATCTACGAGGTGTGCAGTCCTGATTGGCTC-3'